The following is an entry in ClinVar:

NM_001005361.3(DNM2):c.1816G>T (p.Ala606Ser)

Gene: DNM2 (dynamin 2; plus strand). Cytogenetic location: 19p13.2.
Variant type: single nucleotide variant.
Coding change: c.1816G>T on transcript NM_001005361.3 (MANE Select); coding-DNA position 1816, G replaced by T.
Protein change: p.Ala606Ser; replaces alanine 606 with serine.
Molecular consequence: missense variant.
Genome position (GRCh38, 1-based): chr19:10,823,822, G>T. VCF-style: chr19-10823822-G-T. GRCh37 (hg19) VCF-style: chr19-10934498-G-T.
Other names: c.1816G>T, p.Ala606Ser (NM_001005360.3, NM_001190716.2); c.1804G>T, p.Ala602Ser (NM_001005362.3, NM_004945.4); short protein forms A602S, A606S.
Identifiers: ClinVar variation 1386094 (VCV001386094.9), dbSNP rs2146181196, ClinGen allele CA404040927.

ClinVar aggregate classification (germline): Uncertain significance. Review status: criteria provided, multiple submitters, no conflicts (2 of 4 stars). 2 submissions from 2 submitters: Uncertain significance (2). Last evaluated 2022-08-16.

Conditions:
Charcot-Marie-Tooth disease dominant intermediate B (CMTDIB). Also called: CHARCOT-MARIE-TOOTH NEUROPATHY, DOMINANT INTERMEDIATE B; Charcot-Marie-Tooth disease dominant intermediate 1; CMT DI1; Charcot-Marie-Tooth disease dominant intermediate I. Identifiers: Orphanet 100044, Orphanet 228179, MedGen C1847902, MONDO:0011674, OMIM 606482.

Submissions (2):

Labcorp Genetics (formerly Invitae), Labcorp
Classification: Uncertain significance for Charcot-Marie-Tooth disease dominant intermediate B. Last evaluated: 2022-08-16. Review status: criteria provided, single submitter. Criteria: Invitae Variant Classification Sherloc (09022015). Collection method: clinical testing. Allele origin: germline.
Comment: ClinVar contains an entry for this variant (Variation ID: 1386094). This variant has not been reported in the literature in individuals affected with DNM2-related conditions. This variant is not present in population databases (gnomAD no frequency). This sequence change replaces alanine, which is neutral and non-polar, with serine, which is neutral and polar, at codon 606 of the DNM2 protein (p.Ala606Ser). Algorithms developed to predict the effect of missense changes on protein structure and function (SIFT, PolyPhen-2, Align-GVGD) all suggest that this variant is likely to be tolerated. In summary, the available evidence is currently insufficient to determine the role of this variant in disease. Therefore, it has been classified as a Variant of Uncertain Significance.

Mendelics
Classification: Uncertain significance. Last evaluated: 2022-05-04. Review status: criteria provided, single submitter. Criteria: Mendelics Assertion Criteria 2019. Collection method: clinical testing. Allele origin: germline.